The following is an entry in ClinVar:

NM_198525.3(KIF7):c.2366G>A (p.Arg789Lys)

Gene: KIF7 (kinesin family member 7; minus strand). Cytogenetic location: 15q26.1.
Variant type: single nucleotide variant.
Coding change: c.2366G>A on transcript NM_198525.3 (MANE Select); coding-DNA position 2366, G replaced by A.
Protein change: p.Arg789Lys; replaces arginine 789 with lysine.
Molecular consequence: missense variant.
Genome position (GRCh38, 1-based): chr15:89,642,231, C>T on the plus strand (G>A on the coding strand, the complement: KIF7 is on the minus strand). VCF-style: chr15-89642231-C-T. GRCh37 (hg19) VCF-style: chr15-90185462-C-T.
Other names: short protein forms R789K.
Identifiers: ClinVar variation 1480937 (VCV001480937.6), dbSNP rs2142016920, ClinGen allele CA393761277.
Genomic context (GRCh38, chr15:89,642,231, plus strand): 5'-CCAGCACCCCACCCTGAGGCCCCGAGACTAACCTGCACCTGGCTCTGGGCCGCAGCGACC[C>T]TCCTGCGGAACTCCTGGAGCCGAGACCGCTCGCCAGCATCCTGGAGCTCCTTGCCCTCGA-3'
Protein context (NP_940927.2, residues 779-799): ERSRLQEFRR[Arg789Lys]VAAAQSQVQV

ClinVar aggregate classification (germline): Uncertain significance (1 of 4 stars; one submission).

Conditions:
Acrocallosal syndrome (ACLS). Also called: HALLUX DUPLICATION, POSTAXIAL POLYDACTYLY, AND ABSENCE OF CORPUS CALLOSUM; Schinzel syndrome 1; Absence of corpus callosum with unusual facial appearance, mental deficiency, duplication of the halluces and polydactyly. Identifiers: Orphanet 36, MedGen C0796147, MONDO:0008708, OMIM 200990.

Submission:

Labcorp Genetics (formerly Invitae), Labcorp
Classification: Uncertain significance for Acrocallosal syndrome. Last evaluated: 2024-01-02. Review status: criteria provided, single submitter. Criteria: Invitae Variant Classification Sherloc (09022015). Collection method: clinical testing. Allele origin: germline.
Comment: This sequence change replaces arginine, which is basic and polar, with lysine, which is basic and polar, at codon 789 of the KIF7 protein (p.Arg789Lys). This variant is not present in population databases (gnomAD no frequency). This variant has not been reported in the literature in individuals affected with KIF7-related conditions. ClinVar contains an entry for this variant (Variation ID: 1480937). Advanced modeling of protein sequence and biophysical properties (such as structural, functional, and spatial information, amino acid conservation, physicochemical variation, residue mobility, and thermodynamic stability) performed at Invitae indicates that this missense variant is not expected to disrupt KIF7 protein function with a negative predictive value of 80%. In summary, the available evidence is currently insufficient to determine the role of this variant in disease. Therefore, it has been classified as a Variant of Uncertain Significance.